The following is an entry in ClinVar:

ClinVar aggregate classification (germline): Conflicting classifications of pathogenicity. Review status: criteria provided, conflicting classifications (1 of 4 stars). 2 submissions from 2 submitters: Uncertain significance (1); Likely benign (1). Last evaluated 2025-12-02.

Conditions:
Inborn genetic diseases. Identifiers: MedGen C0950123, MeSH D030342.
Nephronophthisis 18 (NPHP18). Identifiers: Orphanet 655, MedGen C3890591, MONDO:0014374, OMIM 615862.

Allele frequency attached by ClinVar (database versions not stated): gnomAD 0.00005 and 0.00004; TOPMed 0.00007; gnomAD exomes 0.00001; ExAC 0.00001.
gnomAD v4.1: 18 of 1,606,034 alleles (0.0011%); highest among the groups gnomAD compares: Admixed American, 0.014%; 1 homozygote.

Submissions (2):

Ambry Genetics
Classification: Likely benign for Inborn genetic diseases. Last evaluated: 2025-12-02. Review status: criteria provided, single submitter. Criteria: Ambry Variant Classification Scheme 2023. Collection method: clinical testing. Allele origin: germline.

Labcorp Genetics (formerly Invitae), Labcorp
Classification: Uncertain significance for Nephronophthisis 18. Last evaluated: 2022-09-27. Review status: criteria provided, single submitter. Criteria: Invitae Variant Classification Sherloc (09022015). Collection method: clinical testing. Allele origin: germline.
Comment: This sequence change replaces valine with isoleucine at codon 447 of the CEP83 protein (p.Val447Ile). The valine residue is weakly conserved and there is a small physicochemical difference between valine and isoleucine. This variant is present in population databases (rs748658606, gnomAD 0.009%). This variant has not been reported in the literature in individuals affected with CEP83-related conditions. ClinVar contains an entry for this variant (Variation ID: 861719). Advanced modeling of protein sequence and biophysical properties (such as structural, functional, and spatial information, amino acid conservation, physicochemical variation, residue mobility, and thermodynamic stability) performed at Invitae indicates that this missense variant is not expected to disrupt CEP83 protein function. Algorithms developed to predict the effect of sequence changes on RNA splicing suggest that this variant may disrupt the consensus splice site. In summary, the available evidence is currently insufficient to determine the role of this variant in disease. Therefore, it has been classified as a Variant of Uncertain Significance.

NM_016122.3(CEP83):c.1339G>A (p.Val447Ile)

Gene: CEP83 (centrosomal protein 83; minus strand). Cytogenetic location: 12q22.
Variant type: single nucleotide variant.
Coding change: c.1339G>A on transcript NM_016122.3 (MANE Select); coding-DNA position 1339, G replaced by A.
Protein change: p.Val447Ile; replaces valine 447 with isoleucine.
Molecular consequence: missense variant. On other transcripts: non-coding transcript variant (1).
Genome position (GRCh38, 1-based): chr12:94,367,798, C>T on the plus strand (G>A on the coding strand, the complement: CEP83 is on the minus strand). VCF-style: chr12-94367798-C-T. GRCh37 (hg19) VCF-style: chr12-94761574-C-T.
Other names: c.1339G>A, p.Val447Ile (NM_001042399.2, NM_001346457.2, NM_001368037.1 and 1 more transcripts); c.1027G>A, p.Val343Ile (NM_001346458.2, NM_001346459.2, NM_001368039.1 and 1 more transcripts); c.1114G>A, p.Val372Ile (NM_001368041.1); short protein forms V343I, V372I, V447I.
Identifiers: ClinVar variation 861719 (VCV000861719.6), dbSNP rs748658606, ClinGen allele CA6721680.
Genomic context (GRCh38, chr12:94,367,798, plus strand): 5'-GTTAACTCTGACCTTATTTCAACATGAAAAACTTTAAATATATATGTATATATAACCTAA[C>T]ACTCTGAAGCTCCTTCCTGGTGATCTCTTCTGCCATCTGTGAAGCCCGCAATTTCTCTTC-3'
Protein context (NP_057206.2, residues 437-457): EEITRKELQS[Val447Ile]RLKLQQQIVT